The following is an entry in ClinVar:

ClinVar aggregate classification (germline): Pathogenic. Review status: criteria provided, single submitter (1 of 4 stars). 2 submissions from 2 submitters: Pathogenic (1). 1 of the submissions does not count toward it. Last evaluated 2022-03-13.

Conditions:
Bardet-Biedl syndrome 19 (BBS19). Identifiers: Orphanet 110, MedGen C3889475, MONDO:0014447, OMIM 615996.

Allele frequency attached by ClinVar (database versions not stated): gnomAD exomes below 0.00001; TOPMed below 0.00001.
gnomAD v4.1: 2 of 1,614,150 alleles (0.00012%); highest among the groups gnomAD compares: African/African-American, 0.0013%; no homozygotes.

Submissions (2):

Labcorp Genetics (formerly Invitae), Labcorp
Classification: Pathogenic. Last evaluated: 2022-03-13. Review status: criteria provided, single submitter. Criteria: Invitae Variant Classification Sherloc (09022015). Collection method: clinical testing. Allele origin: germline.
Comment: For these reasons, this variant has been classified as Pathogenic. This variant has not been reported in the literature in individuals affected with IFT27-related conditions. This variant is not present in population databases (gnomAD no frequency). This sequence change creates a premature translational stop signal (p.Gln32*) in the IFT27 gene. It is expected to result in an absent or disrupted protein product. Loss-of-function variants in IFT27 are known to be pathogenic (PMID: 24488770, 25446516).

OMIM
Classification: Pathogenic for BARDET-BIEDL SYNDROME 19. Last evaluated: 2024-05-02. Review status: no assertion criteria provided. Collection method: literature only. Allele origin: germline. Not counted in ClinVar's aggregate classification.

Literature cited by the submitters: PubMed 24488770 (cited by Labcorp Genetics (formerly Invitae), Labcorp); PubMed 25446516 (cited by Labcorp Genetics (formerly Invitae), Labcorp); PubMed 37239474 (cited by OMIM).

NM_001177701.3(IFT27):c.97C>T (p.Gln33Ter)

Gene: IFT27 (intraflagellar transport 27; minus strand). Cytogenetic location: 22q12.3.
Variant type: single nucleotide variant.
Coding change: c.97C>T on transcript NM_001177701.3 (MANE Select); coding-DNA position 97, C replaced by T.
Protein change: p.Gln33Ter; replaces glutamine 33 with a stop codon.
Molecular consequence: nonsense.
Genome position (GRCh38, 1-based): chr22:36,767,800, G>A on the plus strand (C>T on the coding strand, the complement: IFT27 is on the minus strand). VCF-style: chr22-36767800-G-A. GRCh37 (hg19) VCF-style: chr22-37163844-G-A.
Other names: c.97C>T, p.Gln33Ter (NM_001363003.2); c.94C>T, p.Gln32Ter (NM_006860.5); short protein forms Q32*, Q33*.
Identifiers: ClinVar variation 2111398 (VCV002111398.4), dbSNP rs1938292111, ClinGen allele CA411386400.